The following is an entry in ClinVar:

NM_006147.4(IRF6):c.707A>G (p.Glu236Gly)

Gene: IRF6 (interferon regulatory factor 6; minus strand). Cytogenetic location: 1q32.2.
Variant type: single nucleotide variant.
Coding change: c.707A>G on transcript NM_006147.4 (MANE Select); coding-DNA position 707, A replaced by G.
Protein change: p.Glu236Gly; replaces glutamic acid 236 with glycine.
Molecular consequence: missense variant.
Genome position (GRCh38, 1-based): chr1:209,790,848, T>C on the plus strand (A>G on the coding strand, the complement: IRF6 is on the minus strand). VCF-style: chr1-209790848-T-C. GRCh37 (hg19) VCF-style: chr1-209964193-T-C.
Other names: c.422A>G, p.Glu141Gly (NM_001206696.2); short protein forms E141G, E236G.
Identifiers: ClinVar variation 4850083 (VCV004850083.1).

ClinVar aggregate classification (germline): Uncertain significance (1 of 4 stars; one submission).

Conditions:
Van der Woude syndrome 1. Also called: van der Woude Syndrome (VWS); CLEFT LIP AND/OR PALATE WITH MUCOUS CYSTS OF LOWER LIP. Identifiers: MedGen C4551864, MONDO:0007333, OMIM 119300.

gnomAD v4.1: 10 of 1,613,296 alleles (0.00062%); highest among the groups gnomAD compares: Non-Finnish European, 0.00085%; no homozygotes.

Submission:

Institute for Clinical Genetics, University Hospital TU Dresden, University Hospital TU Dresden
Classification: Uncertain significance for Van der Woude syndrome 1. Last evaluated: 2023-09-18. Review status: criteria provided, single submitter. Criteria: ACMG Guidelines, 2015. Collection method: clinical testing. Allele origin: paternal. Affected: yes.
Comment: The above-mentioned missense variant in the IRF6 gene (NM_006147.4:c.707A>G, p.(Glu236Gly)) leads to an amino acid exchange at position 236 in the corresponding protein due to a base exchange at position 707 of the mRNA. This variant is not previously listed in the ClinVar database. The gene does not empirically show increased sensitivity to missense variants (Z-score 2.74). Bioinformatic prediction algorithms estimate the effect of the variant on protein function to be deleterious (REVEL score 0.813), which has not been investigated in functional studies to date. In the gnomAD database, this variant has not been found in healthy individuals to date. The variant is located in the SMIR/IAD domain, where numerous missense variants have already been described as pathogenic (PMID: 12219090). According to current ACMG recommendations for variant assessment (PMID 25741868), the criteria PM2_SUP and PP3 are fulfilled, resulting in an assessment as a variant of unclear significance (ACMG class 3).